The following is an entry in ClinVar:

NM_138694.4(PKHD1):c.230G>T (p.Cys77Phe)

Gene: PKHD1 (PKHD1 ciliary IPT domain containing fibrocystin/polyductin; minus strand). Cytogenetic location: 6p12.2.
Variant type: single nucleotide variant.
Coding change: c.230G>T on transcript NM_138694.4 (MANE Select); coding-DNA position 230, G replaced by T.
Protein change: p.Cys77Phe; replaces cysteine 77 with phenylalanine.
Molecular consequence: missense variant.
Genome position (GRCh38, 1-based): chr6:52,082,443, C>A on the plus strand (G>T on the coding strand, the complement: PKHD1 is on the minus strand). VCF-style: chr6-52082443-C-A. GRCh37 (hg19) VCF-style: chr6-51947241-C-A.
Other names: c.230G>T, p.Cys77Phe (NM_170724.3); short protein forms C77F.
Identifiers: ClinVar variation 4848578 (VCV004848578.1).
Genomic context (GRCh38, chr6:52,082,443, plus strand): 5'-CAGGTATACCTGGTCCGGCATGTCACCACAGGCAAATCCAAGAAAACAGGAAAGACGTCA[C>A]AGGGAACACTCCGCAGTGCGGGCACCACCATGTTCACGTTCACCAGGTGTATCTCCAATT-3'
Protein context (NP_619639.3, residues 67-87): MVVPALRSVP[Cys77Phe]DVFPVFLDLP

ClinVar aggregate classification (germline): Uncertain significance (1 of 4 stars; one submission).

Submission:

Women's Health and Genetics/Laboratory Corporation of America, LabCorp
Classification: Uncertain significance. Last evaluated: 2026-04-14. Review status: criteria provided, single submitter. Criteria: LabCorp Variant Classification Summary - May 2015. Collection method: clinical testing. Allele origin: germline.
Comment: Variant summary: PKHD1 c.230G>T (p.Cys77Phe) results in a non-conservative amino acid change in the encoded protein sequence. Algorithms developed to predict the effect of missense changes on protein structure and function all suggest that this variant is likely to be disruptive. The variant was absent in 251386 control chromosomes. The available data on variant occurrences in the general population are insufficient to allow any conclusion about variant significance. c.230G>T has been observed in the mother of a fetus with clinical features of Polycystic Kidney And Hepatic Disease, but it is unknown whether this variant is inherited in the fetus (Fang_2017). These report(s) do not provide unequivocal conclusions about association of the variant with Polycystic Kidney And Hepatic Disease. To our knowledge, no experimental evidence demonstrating an impact on protein function has been reported. The following publication have been ascertained in the context of this evaluation (PMID: 28578020). No submitters have cited clinical-significance assessments for this variant to ClinVar. Based on the evidence outlined above, the variant was classified as uncertain significance.

Literature cited by the submitters: PubMed 28578020.